The following is an entry in ClinVar:

NM_020821.3(VPS13C):c.7824T>C (p.Tyr2608=)

Gene: VPS13C (vacuolar protein sorting 13 homolog C; minus strand). Cytogenetic location: 15q22.2.
Variant type: single nucleotide variant.
Coding change: c.7824T>C on transcript NM_020821.3 (MANE Select); coding-DNA position 7824, T replaced by C.
Protein change: p.Tyr2608=; no amino-acid change (tyrosine 2608 retained).
Molecular consequence: synonymous variant.
Genome position (GRCh38, 1-based): chr15:61,917,572, A>G on the plus strand (T>C on the coding strand, the complement: VPS13C is on the minus strand). VCF-style: chr15-61917572-A-G. GRCh37 (hg19) VCF-style: chr15-62209771-A-G.
Other names: p.Tyr2608=; c.7824T>C, p.Tyr2608= (NM_001018088.3); c.7695T>C, p.Tyr2565= (NM_017684.5, NM_018080.4).
Identifiers: ClinVar variation 749444 (VCV000749444.10), dbSNP rs371387297, ClinGen allele CA7595138.

ClinVar aggregate classification (germline): Likely benign. Review status: criteria provided, multiple submitters, no conflicts (2 of 4 stars). 2 submissions from 2 submitters: Likely benign (2). Last evaluated 2024-12-19.

Allele frequency attached by ClinVar (database versions not stated): ExAC 0.00001; gnomAD exomes 0.00002 and 0.00003; gnomAD 0.00004 and 0.00005; TOPMed 0.00007; ESP Exome Variant Server 0.00008; 1000 Genomes Project 30x 0.00016; 1000 Genomes Project 0.00020.
gnomAD v4.1: 61 of 1,614,004 alleles (0.0038%); highest among the groups gnomAD compares: Non-Finnish European, 0.0042%; no homozygotes.

Submissions (2):

Mayo Clinic Laboratories, Mayo Clinic
Classification: Likely benign. Last evaluated: 2024-12-19. Review status: criteria provided, single submitter. Criteria: ACMG Guidelines, 2015. Collection method: clinical testing. Allele origin: germline. Observed: 1 variant allele.
Comment: BP4, BP7

Labcorp Genetics (formerly Invitae), Labcorp
Classification: Likely benign. Last evaluated: 2021-08-05. Review status: criteria provided, single submitter. Criteria: Invitae Variant Classification Sherloc (09022015). Collection method: clinical testing. Allele origin: germline.